The following is an entry in ClinVar:

ClinVar aggregate classification (germline): Pathogenic. Review status: criteria provided, multiple submitters, no conflicts (2 of 4 stars). 2 submissions from 2 submitters: Pathogenic (2). Last evaluated 2023-07-14.

Conditions:
Inborn genetic diseases. Identifiers: MedGen C0950123, MeSH D030342.

Submissions (2):

Labcorp Genetics (formerly Invitae), Labcorp
Classification: Pathogenic. Last evaluated: 2023-07-14. Review status: criteria provided, single submitter. Criteria: Invitae Variant Classification Sherloc (09022015). Collection method: clinical testing. Allele origin: germline.
Comment: For these reasons, this variant has been classified as Pathogenic. ClinVar contains an entry for this variant (Variation ID: 520924). This variant has not been reported in the literature in individuals affected with ACAN-related conditions. This variant is not present in population databases (gnomAD no frequency). This sequence change creates a premature translational stop signal (p.Ser410Valfs*15) in the ACAN gene. It is expected to result in an absent or disrupted protein product. Loss-of-function variants in ACAN are known to be pathogenic (PMID: 16080123, 24762113).

Ambry Genetics
Classification: Pathogenic for Inborn genetic diseases. Last evaluated: 2016-02-05. Review status: criteria provided, single submitter. Criteria: Ambry exome assertion method (8-5-2015). Collection method: clinical testing. Allele origin: germline. Affected: yes. Observed: 1 variant allele.

Literature cited by the submitters: PubMed 16080123 (cited by Labcorp Genetics (formerly Invitae), Labcorp); PubMed 24762113 (cited by Labcorp Genetics (formerly Invitae), Labcorp).

NM_001369268.1(ACAN):c.1227del (p.Ser410fs)

Gene: ACAN (aggrecan; plus strand). Cytogenetic location: 15q26.1.
Variant type: Deletion.
Coding change: c.1227del on transcript NM_001369268.1 (MANE Select); coding-DNA position 1227, one base deleted (C; older notation c.1227delC).
Protein change: p.Ser410fs; shifts the reading frame from serine 410.
Molecular consequence: frameshift variant.
Genome position (GRCh38, 1-based): chr15:88,845,680, C deleted; the last of 5 consecutive C bases (chr15:88,845,676-88,845,680); deleting any one gives the same sequence. VCF-style (leftmost placement, unchanged base first): chr15-88845675-TC-T. GRCh37 (hg19) VCF-style: chr15-89388906-TC-T.
Other names: c.1227delC (NM_013227.3); c.1227del, p.Ser410fs (NM_001135.4, NM_013227.4); short protein forms S410fs.
Identifiers: ClinVar variation 520924 (VCV000520924.7), dbSNP rs1555454560, ClinGen allele CA658798448.